The following is an entry in ClinVar:

ClinVar aggregate classification (germline): Uncertain significance (1 of 4 stars; one submission).

gnomAD v4.1: 8 of 1,614,056 alleles (0.0005%); highest among the groups gnomAD compares: Non-Finnish European, 0.00068%; no homozygotes.

Submission:

Ambry Genetics
Classification: Uncertain significance. Last evaluated: 2026-01-17. Review status: criteria provided, single submitter. Criteria: Ambry Variant Classification Scheme 2023. Collection method: clinical testing. Allele origin: germline.
Comment: The p.V529F variant (also known as c.1585G>T), located in coding exon 8 of the ATRIP gene, results from a G to T substitution at nucleotide position 1585. The valine at codon 529 is replaced by phenylalanine, an amino acid with highly similar properties. This amino acid position is conserved. In addition, this alteration is predicted to be tolerated by in silico analysis. Based on the available evidence, the clinical significance of this variant remains unclear.

NM_130384.3(ATRIP):c.1585G>T (p.Val529Phe)

Genes: ATRIP (ATR interacting protein; plus strand), ATRIP-TREX1 (ATRIP-TREX1 readthrough; plus strand). Cytogenetic location: 3p21.31.
Variant type: single nucleotide variant.
Coding change: c.1585G>T on transcript NM_130384.3 (MANE Select); coding-DNA position 1585, G replaced by T.
Protein change: p.Val529Phe; replaces valine 529 with phenylalanine.
Molecular consequence: missense variant. On other transcripts: non-coding transcript variant (1).
Genome position (GRCh38, 1-based): chr3:48,460,639, G>T. VCF-style: chr3-48460639-G-T. GRCh37 (hg19) VCF-style: chr3-48502038-G-T.
Other names: c.1204G>T, p.Val402Phe (NM_001271022.2); c.1306G>T, p.Val436Phe (NM_001271023.2); c.1585G>T, p.Val529Phe (NM_032166.4); short protein forms V402F, V529F, V436F.
Identifiers: ClinVar variation 4844926 (VCV004844926.1).